The following is an entry in ClinVar:

ClinVar aggregate classification (germline): Conflicting classifications of pathogenicity. Review status: criteria provided, conflicting classifications (1 of 4 stars). 4 submissions from 3 submitters: Uncertain significance (2); Likely benign (2). Last evaluated 2025-01-07.

Conditions:
RAX2-related disorder. Also called: RAX2-related disorders; RAX2-related condition.
Age related macular degeneration 6. Identifiers: MedGen C3151060, MONDO:0013406, OMIM 613757.
Cone-rod dystrophy 11 (CORD11). Identifiers: Orphanet 1872, MedGen C1835865, MONDO:0012483, OMIM 610381.

Allele frequency attached by ClinVar (database versions not stated): TOPMed 0.00007.

Submissions (4):

PreventionGenetics, part of Exact Sciences
Classification: Likely benign for RAX2-related condition. Last evaluated: 2025-01-07. Review status: criteria provided, single submitter. Criteria: ACMG Guidelines, 2015. Collection method: clinical testing. Allele origin: germline.
Comment: This variant is classified as likely benign based on ACMG/AMP sequence variant interpretation guidelines (Richards et al. 2015 PMID: 25741868, with internal and published modifications).

Blueprint Genetics
Classification: Likely benign. Last evaluated: 2024-05-15. Review status: criteria provided, single submitter. Criteria: ACMG Guidelines, 2015. Collection method: clinical testing. Allele origin: germline.

Illumina Laboratory Services, Illumina
Classification: Uncertain significance for Age related macular degeneration 6. Last evaluated: 2018-01-13. Review status: criteria provided, single submitter. Criteria: ICSL Variant Classification Criteria 13 December 2019. Collection method: clinical testing. Allele origin: germline.

Illumina Laboratory Services, Illumina
Classification: Uncertain significance for Cone-rod dystrophy 11. Last evaluated: 2018-01-13. Review status: criteria provided, single submitter. Criteria: ICSL Variant Classification Criteria 13 December 2019. Collection method: clinical testing. Allele origin: germline.

NM_001319074.4(RAX2):c.*7C>T

Gene: RAX2 (retina and anterior neural fold homeobox 2; minus strand). Cytogenetic location: 19p13.3.
Variant type: single nucleotide variant.
Coding change: c.*7C>T on transcript NM_001319074.4 (MANE Select); 7 bases downstream of the stop codon, C replaced by T.
Molecular consequence: 3 prime UTR variant.
Genome position (GRCh38, 1-based): chr19:3,770,614, G>A on the plus strand (C>T on the coding strand, the complement: RAX2 is on the minus strand). VCF-style: chr19-3770614-G-A. GRCh37 (hg19) VCF-style: chr19-3770612-G-A.
Other names: c.*7C>T (NM_032753.4).
Identifiers: ClinVar variation 328965 (VCV000328965.7), dbSNP rs781395665, ClinGen allele CA9085026.